The following is an entry in ClinVar:

ClinVar aggregate classification (germline): Likely benign (1 of 4 stars; one submission).

Allele frequency attached by ClinVar (database versions not stated): TOPMed 0.00001.
gnomAD v4.1: 4 of 1,613,850 alleles (0.00025%); highest among the groups gnomAD compares: Non-Finnish European, 0.00034%; no homozygotes.

Submission:

CeGaT Center for Human Genetics Tuebingen
Classification: Likely benign. Last evaluated: 2022-10-01. Review status: criteria provided, single submitter. Criteria: CeGaT Center For Human Genetics Tuebingen Variant Classification Criteria Version 2. Collection method: clinical testing. Allele origin: germline. Affected: yes. Observed: 1 variant allele.
Comment: LTF: BP4, BP7

NM_002343.6(LTF):c.1704T>C (p.Thr568=)

Gene: LTF (lactotransferrin; minus strand). Cytogenetic location: 3p21.31.
Variant type: single nucleotide variant.
Coding change: c.1704T>C on transcript NM_002343.6 (MANE Select); coding-DNA position 1704, T replaced by C.
Protein change: p.Thr568=; no amino-acid change (threonine 568 retained).
Molecular consequence: synonymous variant.
Genome position (GRCh38, 1-based): chr3:46,441,435, A>G on the plus strand (T>C on the coding strand, the complement: LTF is on the minus strand). VCF-style: chr3-46441435-A-G. GRCh37 (hg19) VCF-style: chr3-46482926-A-G.
Other names: c.1572T>C, p.Thr524= (NM_001199149.2); c.1698T>C, p.Thr566= (NM_001321121.2); c.1665T>C, p.Thr555= (NM_001321122.2).
Identifiers: ClinVar variation 2653733 (VCV002653733.24), dbSNP rs1159715878, ClinGen allele CA433456540.